The following is an entry in ClinVar:

ClinVar aggregate classification (germline): Conflicting classifications of pathogenicity. Review status: criteria provided, conflicting classifications (1 of 4 stars). 2 submissions from 2 submitters: Uncertain significance (1); Likely benign (1). Last evaluated 2026-05-26.

Conditions:
Hereditary cancer-predisposing syndrome. Also called: Tumor predisposition; Neoplastic Syndromes, Hereditary; Hereditary Cancer Syndrome; Hereditary neoplastic syndrome. Identifiers: Orphanet 140162, MedGen C0027672, MeSH D009386, MONDO:0015356.
Hereditary diffuse gastric adenocarcinoma (HDGC). Also called: DIFFUSE GASTRIC AND LOBULAR BREAST CANCER SYNDROME. Identifiers: Orphanet 26106, MedGen C1708349, MONDO:0007648, OMIM 137215.

Submissions (2):

Ambry Genetics
Classification: Likely benign for Hereditary cancer-predisposing syndrome. Last evaluated: 2026-05-26. Review status: criteria provided, single submitter. Criteria: Ambry Variant Classification Scheme 2023. Collection method: clinical testing. Allele origin: germline.

Labcorp Genetics (formerly Invitae), Labcorp
Classification: Uncertain significance for Hereditary diffuse gastric adenocarcinoma. Last evaluated: 2022-09-01. Review status: criteria provided, single submitter. Criteria: Invitae Variant Classification Sherloc (09022015). Collection method: clinical testing. Allele origin: germline.
Comment: In summary, the available evidence is currently insufficient to determine the role of this variant in disease. Therefore, it has been classified as a Variant of Uncertain Significance. Algorithms developed to predict the effect of sequence changes on RNA splicing suggest that this variant may create or strengthen a splice site. Algorithms developed to predict the effect of missense changes on protein structure and function output the following: SIFT: "Tolerated"; PolyPhen-2: "Benign"; Align-GVGD: "Class C0". The arginine amino acid residue is found in multiple mammalian species, which suggests that this missense change does not adversely affect protein function. ClinVar contains an entry for this variant (Variation ID: 1484625). This variant has not been reported in the literature in individuals affected with CDH1-related conditions. This variant is not present in population databases (gnomAD no frequency). This sequence change replaces lysine, which is basic and polar, with arginine, which is basic and polar, at codon 76 of the CDH1 protein (p.Lys76Arg).

NM_004360.5(CDH1):c.227A>G (p.Lys76Arg)

Gene: CDH1 (cadherin 1; plus strand). Cytogenetic location: 16q22.1.
Variant type: single nucleotide variant.
Coding change: c.227A>G on transcript NM_004360.5 (MANE Select); coding-DNA position 227, A replaced by G.
Protein change: p.Lys76Arg; replaces lysine 76 with arginine.
Molecular consequence: missense variant. On other transcripts: 5 prime UTR variant (2).
Genome position (GRCh38, 1-based): chr16:68,801,733, A>G. VCF-style: chr16-68801733-A-G. GRCh37 (hg19) VCF-style: chr16-68835636-A-G.
Other names: c.227A>G (NM_004360.3); c.227A>G, p.Lys76Arg (NM_001317184.2); c.-1389A>G (NM_001317185.2); c.-1593A>G (NM_001317186.2); short protein forms K76R.
Identifiers: ClinVar variation 1484625 (VCV001484625.8), dbSNP rs1597884664, ClinGen allele CA396457197.